The following is an entry in ClinVar:

NM_014874.4(MFN2):c.1873-66T>G

Gene: MFN2 (mitofusin 2; plus strand). Cytogenetic location: 1p36.22.
Variant type: single nucleotide variant.
Coding change: c.1873-66T>G on transcript NM_014874.4 (MANE Select); 66 bases into the intron before coding-DNA position 1873, T replaced by G.
Molecular consequence: intron variant.
Genome position (GRCh38, 1-based): chr1:12,006,987, T>G. VCF-style: chr1-12006987-T-G. GRCh37 (hg19) VCF-style: chr1-12067044-T-G.
Other names: NC_000001.10:g.12067044T>G; c.1873-66T>G (NM_001127660.2).
Identifiers: ClinVar variation 676150 (VCV000676150.3), dbSNP rs7550536, ClinGen allele CA15109203.
Genomic context (GRCh38, chr1:12,006,987, plus strand): 5'-GGAACTCAGAGTAGAAACATGAAGGCTCCTTGGCTGGGGCCCTTCAGATGGCCCTGGTAG[T>G]GATGGGCCCCAGAGGAGGGTGGGCCACAGAGAGGCTGCACTCCAGGCTGACCATGTGCTC-3'

ClinVar aggregate classification (germline): Benign. Review status: criteria provided, multiple submitters, no conflicts (2 of 4 stars). 2 submissions from 2 submitters: Benign (2). Last evaluated 2018-06-14.

Allele frequency attached by ClinVar (database versions not stated): 1000 Genomes Project 0.52676; 1000 Genomes Project 30x 0.52124; gnomAD exomes 0.59317; TOPMed 0.52178; gnomAD 0.54079 and 0.54516.
gnomAD v4.1: 937,009 of 1,593,006 alleles (59%); highest among the groups gnomAD compares: South Asian, 62%; 278,818 homozygotes.

Submissions (4):

GeneDx
Classification: Benign. Last evaluated: 2018-06-14. Review status: criteria provided, single submitter. Criteria: GeneDx Variant Classification (06012015). Collection method: clinical testing. Allele origin: germline. Affected: yes.
Comment: This variant is considered likely benign or benign based on one or more of the following criteria: it is a conservative change, it occurs at a poorly conserved position in the protein, it is predicted to be benign by multiple in silico algorithms, and/or has population frequency not consistent with disease.

Breakthrough Genomics
Classification: Benign. Review status: criteria provided, single submitter. Criteria: ACMG Guidelines, 2015. Collection method: not provided. Allele origin: germline. Inheritance: Autosomal recessive inheritance. Affected: yes.

Dr. Peter K. Rogan Lab, Western University
No classification provided (evidence only). Condition: Hepatocellular carcinoma. Review status: no classification provided. Collection method: in vitro. Allele origin: not applicable. Functional consequence: retained intron. Not counted in ClinVar's aggregate classification.

Dr. Peter K. Rogan Lab, Western University
No classification provided (evidence only). Condition: Germ cell tumor of testis. Review status: no classification provided. Collection method: in vitro. Allele origin: not applicable. Functional consequence: retained intron. Not counted in ClinVar's aggregate classification.